The following is an entry in ClinVar:

NM_001127511.3(APC):c.-142G>A

Gene: APC (APC regulator of Wnt signaling pathway; plus strand). Cytogenetic location: 5q22.2.
Variant type: single nucleotide variant.
Coding change: c.-142G>A on transcript NM_001127511.3; 142 bases upstream of the start codon, G replaced by A.
Molecular consequence: 5 prime UTR variant. On other transcripts: genic upstream transcript variant (1).
Genome position (GRCh38, 1-based): chr5:112,707,576, G>A. VCF-style: chr5-112707576-G-A. GRCh37 (hg19) VCF-style: chr5-112043273-G-A.
Other names: c.-325G>A (NM_001354895.2, NM_001407447.1, NM_001407452.1 and 3 more transcripts); c.-142G>A (NM_001354897.2, NM_001354902.2, NM_001407446.1); c.-92G>A (NM_001407448.1, NM_001407450.1, NM_001407457.1 and 1 more transcripts); c.-116G>A (NM_001407453.1); c.-1360G>A (NM_001407470.1, NM_001407472.1); c.-30368G>A (NM_000038.6).
Identifiers: ClinVar variation 1043177 (VCV001043177.49), dbSNP rs951500465, ClinGen allele CA1573442471.

ClinVar aggregate classification (germline): Uncertain significance. Review status: criteria provided, multiple submitters, no conflicts (2 of 4 stars). 2 submissions from 2 submitters: Uncertain significance (2). Last evaluated 2025-12-29.

Conditions:
Familial adenomatous polyposis 1 (FAP1). Also called: FAMILIAL ADENOMATOUS POLYPOSIS 1, ATTENUATED; POLYPOSIS, ADENOMATOUS INTESTINAL. Identifiers: MedGen C2713442, MONDO:0021056, OMIM 175100. Disease mechanism: loss of function.
Desmoid disease, hereditary (DESMD). Also called: FIBROMATOSIS, FAMILIAL INFILTRATIVE. Identifiers: Orphanet 873, MedGen C1851124, OMIM 135290. Disease mechanism: loss of function.
Gastric adenocarcinoma and proximal polyposis of the stomach (GAPPS). Also called: Gastric Adenocarcinoma and Proximal Polyposis of the Stomach (GAPPS); Polyposis, gastric, Dos Santos and de Magalhaes 1980; POLYPOSIS, GASTRIC. Identifiers: Orphanet 314022, MedGen C4749917, MONDO:0017790, OMIM 619182.
Hepatocellular carcinoma (HCC). Also called: Primary carcinoma of liver; HEPATOMA; LIVER CELL CARCINOMA. Identifiers: Orphanet 88673, MedGen C2239176, MONDO:0007256, OMIM 114550, HP:0001402.
Colorectal cancer. Also called: Colorectal cancer, somatic; Malignant Colorectal Neoplasm. Identifiers: MedGen C0346629, MONDO:0005575, OMIM 114500.
Gastric cancer. Also called: Malignant tumor of stomach; Stomach cancer. Identifiers: MedGen C0024623, MeSH D013274, MONDO:0001056, OMIM 613659, HP:0012126.

gnomAD v4.1: 1 of 869,728 alleles (0.00011%); highest among the groups gnomAD compares: Non-Finnish European, 0.00016%; no homozygotes.

Submissions (2):

Labcorp Genetics (formerly Invitae), Labcorp
Classification: Uncertain significance for Familial adenomatous polyposis 1. Last evaluated: 2025-12-29. Review status: criteria provided, single submitter. Criteria: Invitae Variant Classification Sherloc (09022015). Collection method: clinical testing. Allele origin: germline.
Comment: This variant occurs in a non-coding region of the APC gene. It does not change the encoded amino acid sequence of the APC protein. This variant is not present in population databases (gnomAD no frequency). This variant has not been reported in the literature in individuals affected with APC-related conditions. Experimental studies and prediction algorithms are not available or were not evaluated, and the functional significance of this variant is currently unknown. In summary, the available evidence is currently insufficient to determine the role of this variant in disease. Therefore, it has been classified as a Variant of Uncertain Significance.

Fulgent Genetics
Classification: Uncertain significance for Colorectal cancer; Hepatocellular carcinoma; Desmoid disease, hereditary; Familial adenomatous polyposis 1; Gastric cancer; Gastric adenocarcinoma and proximal polyposis of the stomach. Last evaluated: 2022-05-16. Review status: criteria provided, single submitter. Criteria: ACMG Guidelines, 2015. Collection method: clinical testing. Allele origin: unknown.